The following is an entry in ClinVar:

NM_001039141.3(TRIOBP):c.6677G>A (p.Arg2226His)

Gene: TRIOBP (TRIO and F-actin binding protein; plus strand). Cytogenetic location: 22q13.1.
Variant type: single nucleotide variant.
Coding change: c.6677G>A on transcript NM_001039141.3 (MANE Select); coding-DNA position 6677, G replaced by A.
Protein change: p.Arg2226His; replaces arginine 2226 with histidine.
Molecular consequence: missense variant.
Genome position (GRCh38, 1-based): chr22:37,769,129, G>A. VCF-style: chr22-37769129-G-A. GRCh37 (hg19) VCF-style: chr22-38165136-G-A.
Other names: c.1538G>A, p.Arg513His (NM_007032.5); short protein forms R2226H, R513H.
Identifiers: ClinVar variation 3777496 (VCV003777496.2).
Genomic context (GRCh38, chr22:37,769,129, plus strand): 5'-CGGAGCAGTACTCGCAGAAGTGCCTGGAGATTGGGGCACTCATGCGGCAGGCTGAGGAGC[G>A]CGAGCACACGCTGCGCCGCTGCCAGCAGGAGGGCCAGGAGCTGCTGCGCCACAACCAGGT-3'
Protein context (NP_001034230.1, residues 2216-2236): IGALMRQAEE[Arg2226His]EHTLRRCQQE

ClinVar aggregate classification (germline): Uncertain significance (1 of 4 stars; one submission).

gnomAD v4.1: 115 of 1,612,906 alleles (0.0071%); highest among the groups gnomAD compares: Admixed American, 0.027%; no homozygotes.

Submission:

GeneDx
Classification: Uncertain significance. Last evaluated: 2026-06-03. Review status: criteria provided, single submitter. Criteria: GeneDx Variant Classification Process June 2021. Collection method: clinical testing. Allele origin: germline.
Comment: In silico analysis supports that this missense variant has a deleterious effect on protein structure/function; Has not been previously published as pathogenic or benign to our knowledge